The following is an entry in ClinVar:

NM_198428.3(BBS9):c.1741C>T (p.His581Tyr)

Gene: BBS9 (Bardet-Biedl syndrome 9; plus strand). Cytogenetic location: 7p14.3.
Variant type: single nucleotide variant.
Coding change: c.1741C>T on transcript NM_198428.3 (MANE Select); coding-DNA position 1741, C replaced by T.
Protein change: p.His581Tyr; replaces histidine 581 with tyrosine.
Molecular consequence: missense variant. On other transcripts: non-coding transcript variant (3).
Genome position (GRCh38, 1-based): chr7:33,367,814, C>T. VCF-style: chr7-33367814-C-T. GRCh37 (hg19) VCF-style: chr7-33407426-C-T.
Other names: c.1636C>T, p.His546Tyr (NM_001033604.2); c.1726C>T, p.His576Tyr (NM_001033605.2); c.1741C>T, p.His581Tyr (NM_001348036.1, NM_001348041.4, NM_001348043.3 and 1 more transcripts); c.1375C>T, p.His459Tyr (NM_001348037.3, NM_001348045.3, NM_001348046.3); c.1468C>T, p.His490Tyr (NM_001348038.3); c.1363C>T, p.His455Tyr (NM_001348039.3); c.1621C>T, p.His541Tyr (NM_001348040.3, NM_014451.4); c.1606C>T, p.His536Tyr (NM_001348042.3); and 1 more; short protein forms H536Y, H541Y, H576Y, H459Y, H490Y, H455Y, H546Y, H424Y.
Identifiers: ClinVar variation 947972 (VCV000947972.8), dbSNP rs537110423, ClinGen allele CA4214480.

ClinVar aggregate classification (germline): Uncertain significance. Review status: criteria provided, multiple submitters, no conflicts (2 of 4 stars). 3 submissions from 3 submitters: Uncertain significance (3). Last evaluated 2025-01-06.

Conditions:
Bardet-Biedl syndrome (BBS). Identifiers: Orphanet 110, MedGen C0752166, MONDO:0015229.
Bardet-Biedl syndrome 9 (BBS9). Identifiers: Orphanet 110, MedGen C1859567, MONDO:0014437, OMIM 615986.

Allele frequency attached by ClinVar (database versions not stated): gnomAD exomes below 0.00001 and 0.00002; ExAC 0.00002; gnomAD 0.00003; 1000 Genomes Project 30x 0.00016; 1000 Genomes Project 0.00020.
gnomAD v4.1: 14 of 1,613,828 alleles (0.00087%); highest among the groups gnomAD compares: East Asian, 0.018%; no homozygotes.

Submissions (3):

Labcorp Genetics (formerly Invitae), Labcorp
Classification: Uncertain significance for Bardet-Biedl syndrome. Last evaluated: 2025-01-06. Review status: criteria provided, single submitter. Criteria: Invitae Variant Classification Sherloc (09022015). Collection method: clinical testing. Allele origin: germline.
Comment: This sequence change replaces histidine, which is basic and polar, with tyrosine, which is neutral and polar, at codon 581 of the BBS9 protein (p.His581Tyr). This variant is present in population databases (rs537110423, gnomAD 0.006%). This variant has not been reported in the literature in individuals affected with BBS9-related conditions. ClinVar contains an entry for this variant (Variation ID: 947972). Invitae Evidence Modeling of protein sequence and biophysical properties (such as structural, functional, and spatial information, amino acid conservation, physicochemical variation, residue mobility, and thermodynamic stability) indicates that this missense variant is not expected to disrupt BBS9 protein function with a negative predictive value of 80%. In summary, the available evidence is currently insufficient to determine the role of this variant in disease. Therefore, it has been classified as a Variant of Uncertain Significance.

Blueprint Genetics
Classification: Uncertain significance. Last evaluated: 2024-09-13. Review status: criteria provided, single submitter. Criteria: ACMG Guidelines, 2015. Collection method: clinical testing. Allele origin: germline.

Fulgent Genetics
Classification: Uncertain significance for Bardet-Biedl syndrome 9. Last evaluated: 2022-04-01. Review status: criteria provided, single submitter. Criteria: ACMG Guidelines, 2015. Collection method: clinical testing. Allele origin: unknown.